The following is an entry in ClinVar:

ClinVar aggregate classification (germline): Uncertain significance (1 of 4 stars; one submission).

gnomAD v4.1: 31 of 1,614,148 alleles (0.0019%); highest among the groups gnomAD compares: Non-Finnish European, 0.0026%; no homozygotes.

Submission:

Labcorp Genetics (formerly Invitae), Labcorp
Classification: Uncertain significance. Last evaluated: 2024-12-11. Review status: criteria provided, single submitter. Criteria: Invitae Variant Classification Sherloc (09022015). Collection method: clinical testing. Allele origin: germline.
Comment: This sequence change replaces serine, which is neutral and polar, with isoleucine, which is neutral and non-polar, at codon 190 of the KIF20A protein (p.Ser190Ile). This variant is present in population databases (rs200853662, gnomAD 0.0009%). This variant has not been reported in the literature in individuals affected with KIF20A-related conditions. ClinVar contains an entry for this variant (Variation ID: 2959708). An algorithm developed to predict the effect of missense changes on protein structure and function (PolyPhen-2) suggests that this variant is likely to be disruptive. In summary, the available evidence is currently insufficient to determine the role of this variant in disease. Therefore, it has been classified as a Variant of Uncertain Significance.

NM_005733.3(KIF20A):c.569G>T (p.Ser190Ile)

Gene: KIF20A (kinesin family member 20A; plus strand). Cytogenetic location: 5q31.2.
Variant type: single nucleotide variant.
Coding change: c.569G>T on transcript NM_005733.3 (MANE Select); coding-DNA position 569, G replaced by T.
Protein change: p.Ser190Ile; replaces serine 190 with isoleucine.
Molecular consequence: missense variant.
Genome position (GRCh38, 1-based): chr5:138,182,640, G>T. VCF-style: chr5-138182640-G-T. GRCh37 (hg19) VCF-style: chr5-137518329-G-T.
Other names: short protein forms S190I.
Identifiers: ClinVar variation 2959708 (VCV002959708.3), dbSNP rs200853662, ClinGen allele CA3426350.
Genomic context (GRCh38, chr5:138,182,640, plus strand): 5'-CTCCAGGTACCATCAAGGATGGAGGGATTCTCCCCCGGTCCCTGGCGCTGATCTTCAATA[G>T]CCTCCAAGGCCAACTTCATCCAACACCTGATCTGAAGCCCTTGCTCTCCAATGAGGTAAT-3'
Protein context (NP_005724.1, residues 180-200): LPRSLALIFN[Ser190Ile]LQGQLHPTPD